The following is an entry in ClinVar:

ClinVar aggregate classification (germline): Uncertain significance. Review status: criteria provided, multiple submitters, no conflicts (2 of 4 stars). 2 submissions from 2 submitters: Uncertain significance (2). Last evaluated 2025-07-15.

Conditions:
Inborn genetic diseases. Identifiers: MedGen C0950123, MeSH D030342.

Allele frequency attached by ClinVar (database versions not stated): gnomAD exomes 0.00001; ExAC 0.00004; gnomAD 0.00009; TOPMed 0.00013.
gnomAD v4.1: 24 of 1,170,376 alleles (0.0021%); highest among the groups gnomAD compares: Middle Eastern, 0.19%; no homozygotes.

Submissions (2):

Labcorp Genetics (formerly Invitae), Labcorp
Classification: Uncertain significance. Last evaluated: 2025-07-15. Review status: criteria provided, single submitter. Criteria: Invitae Variant Classification Sherloc (09022015). Collection method: clinical testing. Allele origin: germline.
Comment: This sequence change replaces proline, which is neutral and non-polar, with leucine, which is neutral and non-polar, at codon 448 of the PLS3 protein (p.Pro448Leu). This variant is present in population databases (rs782091478, gnomAD 0.03%). This variant has not been reported in the literature in individuals affected with PLS3-related conditions. ClinVar contains an entry for this variant (Variation ID: 2373382). Invitae Evidence Modeling of protein sequence and biophysical properties (such as structural, functional, and spatial information, amino acid conservation, physicochemical variation, residue mobility, and thermodynamic stability) indicates that this missense variant is expected to disrupt PLS3 protein function with a positive predictive value of 80%. In summary, the available evidence is currently insufficient to determine the role of this variant in disease. Therefore, it has been classified as a Variant of Uncertain Significance.

Ambry Genetics
Classification: Uncertain significance for Inborn genetic diseases. Last evaluated: 2021-10-21. Review status: criteria provided, single submitter. Criteria: Ambry Variant Classification Scheme 2023. Collection method: clinical testing. Allele origin: germline.

NM_005032.7(PLS3):c.1343C>T (p.Pro448Leu)

Gene: PLS3 (plastin 3; plus strand). Cytogenetic location: Xq23.
Variant type: single nucleotide variant.
Coding change: c.1343C>T on transcript NM_005032.7 (MANE Select); coding-DNA position 1343, C replaced by T.
Protein change: p.Pro448Leu; replaces proline 448 with leucine.
Molecular consequence: missense variant.
Genome position (GRCh38, 1-based): chrX:115,646,152, C>T. VCF-style: chrX-115646152-C-T. GRCh37 (hg19) VCF-style: chrX-114880472-C-T.
Other names: c.1343C>T, p.Pro448Leu (NM_001136025.5); c.1262C>T, p.Pro421Leu (NM_001172335.3); c.1304C>T, p.Pro435Leu (NM_001282337.2); c.1208C>T, p.Pro403Leu (NM_001282338.2); short protein forms P421L, P448L, P403L, P435L.
Identifiers: ClinVar variation 2373382 (VCV002373382.3), dbSNP rs782091478, ClinGen allele CA10497053.